The following is an entry in ClinVar:

NM_080476.5(PIGU):c.1090G>A (p.Val364Ile)

Gene: PIGU (phosphatidylinositol glycan anchor biosynthesis class U; minus strand). Cytogenetic location: 20q11.22.
Variant type: single nucleotide variant.
Coding change: c.1090G>A on transcript NM_080476.5 (MANE Select); coding-DNA position 1090, G replaced by A.
Protein change: p.Val364Ile; replaces valine 364 with isoleucine.
Molecular consequence: missense variant.
Genome position (GRCh38, 1-based): chr20:34,575,208, C>T on the plus strand (G>A on the coding strand, the complement: PIGU is on the minus strand). VCF-style: chr20-34575208-C-T. GRCh37 (hg19) VCF-style: chr20-33163012-C-T.
Other names: short protein forms V364I.
Identifiers: ClinVar variation 1492030 (VCV001492030.3), dbSNP rs201922552, ClinGen allele CA9822448.

ClinVar aggregate classification (germline): Uncertain significance (1 of 4 stars; one submission).

Allele frequency attached by ClinVar (database versions not stated): gnomAD 0.00007 and 0.00008; TOPMed 0.00013; gnomAD exomes 0.00014; ExAC 0.00018; ESP Exome Variant Server 0.00023.
gnomAD v4.1: 229 of 1,613,964 alleles (0.014%); highest among the groups gnomAD compares: Admixed American, 0.023%; no homozygotes.

Submission:

Labcorp Genetics (formerly Invitae), Labcorp
Classification: Uncertain significance. Last evaluated: 2022-07-19. Review status: criteria provided, single submitter. Criteria: Invitae Variant Classification Sherloc (09022015). Collection method: clinical testing. Allele origin: germline.
Comment: This sequence change replaces valine, which is neutral and non-polar, with isoleucine, which is neutral and non-polar, at codon 364 of the PIGU protein (p.Val364Ile). This variant is present in population databases (rs201922552, gnomAD 0.04%). This variant has not been reported in the literature in individuals affected with PIGU-related conditions. ClinVar contains an entry for this variant (Variation ID: 1492030). Algorithms developed to predict the effect of missense changes on protein structure and function output the following: SIFT: "Tolerated"; PolyPhen-2: "Benign"; Align-GVGD: "Class C0". The isoleucine amino acid residue is found in multiple mammalian species, which suggests that this missense change does not adversely affect protein function. In summary, the available evidence is currently insufficient to determine the role of this variant in disease. Therefore, it has been classified as a Variant of Uncertain Significance.